The following is an entry in ClinVar:

ClinVar aggregate classification (germline): Uncertain significance (1 of 4 stars; one submission).

Allele frequency attached by ClinVar (database versions not stated): gnomAD exomes below 0.00001.

Submission:

Labcorp Genetics (formerly Invitae), Labcorp
Classification: Uncertain significance. Last evaluated: 2023-06-09. Review status: criteria provided, single submitter. Criteria: Invitae Variant Classification Sherloc (09022015). Collection method: clinical testing. Allele origin: germline.
Comment: This variant has not been reported in the literature in individuals affected with ZNF408-related conditions. This sequence change replaces histidine, which is basic and polar, with arginine, which is basic and polar, at codon 378 of the ZNF408 protein (p.His378Arg). This variant is not present in population databases (gnomAD no frequency). An algorithm developed to predict the effect of missense changes on protein structure and function (PolyPhen-2) suggests that this variant is likely to be disruptive. In summary, the available evidence is currently insufficient to determine the role of this variant in disease. Therefore, it has been classified as a Variant of Uncertain Significance.

NM_024741.3(ZNF408):c.1133A>G (p.His378Arg)

Gene: ZNF408 (zinc finger protein 408; plus strand). Cytogenetic location: 11p11.2.
Variant type: single nucleotide variant.
Coding change: c.1133A>G on transcript NM_024741.3 (MANE Select); coding-DNA position 1133, A replaced by G.
Protein change: p.His378Arg; replaces histidine 378 with arginine.
Molecular consequence: missense variant.
Genome position (GRCh38, 1-based): chr11:46,704,833, A>G. VCF-style: chr11-46704833-A-G. GRCh37 (hg19) VCF-style: chr11-46726383-A-G.
Other names: c.1109A>G, p.His370Arg (NM_001184751.2); short protein forms H378R, H370R.
Identifiers: ClinVar variation 2789155 (VCV002789155.3), dbSNP rs1018958455, ClinGen allele CA221633282.